The following is an entry in ClinVar:

ClinVar aggregate classification (germline): Uncertain significance. Review status: criteria provided, multiple submitters, no conflicts (2 of 4 stars). 2 submissions from 2 submitters: Uncertain significance (2). Last evaluated 2024-09-09.

Conditions:
Hereditary cancer-predisposing syndrome. Also called: Neoplastic Syndromes, Hereditary; Tumor predisposition; Hereditary Cancer Syndrome; Hereditary neoplastic syndrome. Identifiers: Orphanet 140162, MedGen C0027672, MeSH D009386, MONDO:0015356.

Submissions (2):

Ambry Genetics
Classification: Uncertain significance for Hereditary cancer-predisposing syndrome. Last evaluated: 2024-09-09. Review status: criteria provided, single submitter. Criteria: Ambry Variant Classification Scheme 2023. Collection method: clinical testing. Allele origin: germline.
Comment: The p.R1463G variant (also known as c.4387A>G), located in coding exon 15 of the APC gene, results from an A to G substitution at nucleotide position 4387. The arginine at codon 1463 is replaced by glycine, an amino acid with dissimilar properties. This amino acid position is conserved. In addition, in silico predictors for this gene do not accurately predict pathogenicity. Based on the available evidence, the clinical significance of this variant remains unclear.

Color Diagnostics, LLC DBA Color Health
Classification: Uncertain significance for Hereditary cancer-predisposing syndrome. Last evaluated: 2022-12-13. Review status: criteria provided, single submitter. Criteria: ACMG Guidelines, 2015. Collection method: clinical testing. Allele origin: germline.
Comment: This missense variant replaces arginine with glycine at codon 1463 of the APC protein. Computational prediction suggests that this variant may not impact protein structure and function (internally defined REVEL score threshold <= 0.5, PMID: 27666373). To our knowledge, functional studies have not been reported for this variant. This variant has not been reported in individuals affected with APC-related disorders in the literature. This variant has not been identified in the general population by the Genome Aggregation Database (gnomAD). The available evidence is insufficient to determine the role of this variant in disease conclusively. Therefore, this variant is classified as a Variant of Uncertain Significance.

NM_000038.6(APC):c.4387A>G (p.Arg1463Gly)

Gene: APC (APC regulator of Wnt signaling pathway; plus strand). Cytogenetic location: 5q22.2.
Variant type: single nucleotide variant.
Coding change: c.4387A>G on transcript NM_000038.6 (MANE Select); coding-DNA position 4387, A replaced by G.
Protein change: p.Arg1463Gly; replaces arginine 1463 with glycine.
Molecular consequence: missense variant. On other transcripts: non-coding transcript variant (2).
Genome position (GRCh38, 1-based): chr5:112,839,981, A>G. VCF-style: chr5-112839981-A-G. GRCh37 (hg19) VCF-style: chr5-112175678-A-G.
Other names: c.4387A>G, p.Arg1463Gly (NM_001127510.3, NM_001354895.2, NM_001407450.1); c.4333A>G, p.Arg1445Gly (NM_001127511.3); c.4441A>G, p.Arg1481Gly (NM_001354896.2, NM_001407447.1, NM_001407448.1 and 1 more transcripts); c.4417A>G, p.Arg1473Gly (NM_001354897.2); c.4312A>G, p.Arg1438Gly (NM_001354898.2); c.4303A>G, p.Arg1435Gly (NM_001354899.2); c.4264A>G, p.Arg1422Gly (NM_001354900.2); c.4210A>G, p.Arg1404Gly (NM_001354901.2, NM_001407453.1); and 12 more; short protein forms R1303G, R1337G, R1380G, R1422G, R1438G, R1456G, R1481G, R1180G.
Identifiers: ClinVar variation 2775026 (VCV002775026.3), dbSNP rs2149913481, ClinGen allele CA16030936.
Genomic context (GRCh38, chr5:112,839,981, plus strand): 5'-CCTCAAACAGCTCAAACCAAGCGAGAAGTACCTAAAAATAAAGCACCTACTGCTGAAAAG[A>G]GAGAGAGTGGACCTAAGCAAGCTGCAGTAAATGCTGCAGTTCAGAGGGTCCAGGTTCTTC-3'
Protein context (NP_000029.2, residues 1453-1473): PKNKAPTAEK[Arg1463Gly]ESGPKQAAVN